The following is an entry in ClinVar:

NM_005902.4(SMAD3):c.943G>T (p.Val315Phe)

Gene: SMAD3 (SMAD family member 3; plus strand). Cytogenetic location: 15q22.33.
Variant type: single nucleotide variant.
Coding change: c.943G>T on transcript NM_005902.4 (MANE Select); coding-DNA position 943, G replaced by T.
Protein change: p.Val315Phe; replaces valine 315 with phenylalanine.
Molecular consequence: missense variant.
Genome position (GRCh38, 1-based): chr15:67,184,798, G>T. VCF-style: chr15-67184798-G-T. GRCh37 (hg19) VCF-style: chr15-67477136-G-T.
Other names: c.628G>T, p.Val210Phe (NM_001145102.2); c.811G>T, p.Val271Phe (NM_001145103.2); c.358G>T, p.Val120Phe (NM_001145104.2); short protein forms V271F, V315F, V120F, V210F.
Identifiers: ClinVar variation 835580 (VCV000835580.8), dbSNP rs1468779374, ClinGen allele CA392957016.

ClinVar aggregate classification (germline): Uncertain significance (1 of 4 stars; one submission).

Conditions:
Familial thoracic aortic aneurysm and aortic dissection (TAAD). Also called: Thoracic aortic aneurysms and dissections. Identifiers: Orphanet 91387, MedGen C4707243, MONDO:0019625.

gnomAD v4.1: 2 of 1,613,848 alleles (0.00012%); highest among the groups gnomAD compares: Non-Finnish European, 0.000085%; no homozygotes.

Submission:

Labcorp Genetics (formerly Invitae), Labcorp
Classification: Uncertain significance for Familial thoracic aortic aneurysm and aortic dissection. Last evaluated: 2025-12-09. Review status: criteria provided, single submitter. Criteria: Invitae Variant Classification Sherloc (09022015). Collection method: clinical testing. Allele origin: germline.
Comment: This sequence change replaces valine, which is neutral and non-polar, with phenylalanine, which is neutral and non-polar, at codon 315 of the SMAD3 protein (p.Val315Phe). This variant is not present in population databases (gnomAD no frequency). This variant has not been reported in the literature in individuals affected with SMAD3-related conditions. ClinVar contains an entry for this variant (Variation ID: 835580). Invitae Evidence Modeling of protein sequence and biophysical properties (such as structural, functional, and spatial information, amino acid conservation, physicochemical variation, residue mobility, and thermodynamic stability) indicates that this missense variant is expected to disrupt SMAD3 protein function with a positive predictive value of 80%. Algorithms developed to predict the effect of sequence changes on RNA splicing suggest that this variant may disrupt the consensus splice site. In summary, the available evidence is currently insufficient to determine the role of this variant in disease. Therefore, it has been classified as a Variant of Uncertain Significance.